The following is an entry in ClinVar:

NM_023110.3(FGFR1):c.1029G>A (p.Ala343=)

Gene: FGFR1 (fibroblast growth factor receptor 1; minus strand). Cytogenetic location: 8p11.23.
Variant type: single nucleotide variant.
Coding change: c.1029G>A on transcript NM_023110.3 (MANE Select); coding-DNA position 1029, G replaced by A.
Protein change: p.Ala343=; no amino-acid change (alanine 343 retained).
Molecular consequence: synonymous variant.
Genome position (GRCh38, 1-based): chr8:38,421,849, C>T on the plus strand (G>A on the coding strand, the complement: FGFR1 is on the minus strand). VCF-style: chr8-38421849-C-T. GRCh37 (hg19) VCF-style: chr8-38279367-C-T.
Other names: c.1023G>A, p.Ala341= (NM_015850.4, NM_001410922.1, NM_001174065.2 and 2 more transcripts); c.762G>A, p.Ala254= (NM_023105.3, NM_001174066.2); c.756G>A, p.Ala252= (NM_023106.3, NM_001354370.2, NM_001354368.2); c.1029G>A, p.Ala343= (NM_000604.2, NM_001174063.2); c.1005G>A, p.Ala335= (NM_001174064.2); c.1122G>A, p.Ala374= (NM_001174067.2).
Identifiers: ClinVar variation 3234159 (VCV003234159.22), dbSNP rs2150754427, ClinGen allele CA460398236.

ClinVar aggregate classification (germline): Pathogenic/Likely pathogenic. Review status: criteria provided, multiple submitters, no conflicts (2 of 4 stars). 3 submissions from 3 submitters: Pathogenic (1); Likely pathogenic (2). Last evaluated 2024-11-11.

Conditions:
FGFR1-related disorder. Also called: FGFR1-related condition; FGFR1-related disorders. Identifiers: MedGen CN380097.
Hypogonadotropic hypogonadism. Also called: Hypogonadotrophic hypogonadism; Isolated hypogonadotropic hypogonadism; Low gonadotropins (secondary hypogonadism); Hypogonadotropic hypogonadism with or without anosmia. Identifiers: Orphanet 432, MedGen C0271623, MONDO:0018555, HP:0000044.

Submissions (3):

NHS Central & South Genomic Laboratory Hub
Classification: Pathogenic for Hypogonadotropic hypogonadism. Last evaluated: 2024-11-11. Review status: criteria provided, single submitter. Criteria: ACMG Guidelines, 2015. Collection method: clinical testing. Allele origin: germline. Affected: yes.

CeGaT Center for Human Genetics Tuebingen
Classification: Likely pathogenic. Last evaluated: 2024-04-01. Review status: criteria provided, single submitter. Criteria: CeGaT Center For Human Genetics Tuebingen Variant Classification Criteria Version 2. Collection method: clinical testing. Allele origin: germline. Affected: yes. Observed: 1 variant allele.
Comment: FGFR1: PM6, PS4:Moderate, PM2:Supporting, PS3:Supporting

Blueprint Genetics
Classification: Likely pathogenic for FGFR1-related disorders. Last evaluated: 2018-05-07. Review status: criteria provided, single submitter. Criteria: ACMG Guidelines, 2015. Collection method: clinical testing. Allele origin: germline. Affected: yes. Observed: 1 variant allele.